The following is an entry in ClinVar:

NM_001378615.1(CC2D2A):c.3605C>T (p.Thr1202Ile)

Genes: CC2D2A (coiled-coil and C2 domain containing 2A; plus strand), FBXL5 (F-box and leucine rich repeat protein 5; minus strand). Cytogenetic location: 4p15.32.
Variant type: single nucleotide variant.
Coding change: c.3605C>T on transcript NM_001378615.1 (MANE Select); coding-DNA position 3605, C replaced by T.
Protein change: p.Thr1202Ile; replaces threonine 1202 with isoleucine.
Molecular consequence: missense variant.
Genome position (GRCh38, 1-based): chr4:15,574,160, C>T. VCF-style: chr4-15574160-C-T. GRCh37 (hg19) VCF-style: chr4-15575783-C-T.
Other names: c.3605C>T, p.Thr1202Ile (NM_001080522.2); c.3458C>T, p.Thr1153Ile (NM_001378617.1); short protein forms T1153I, T1202I.
Identifiers: ClinVar variation 1982582 (VCV001982582.3), dbSNP rs1396865543, ClinGen allele CA356423603.
Genomic context (GRCh38, chr4:15,574,160, plus strand): 5'-TCTGTTGGAAAAAGCATCAGGATGTTTACCAAGTCATATTTTCTTCACAGATTGATGGAA[C>T]ATTTAAAATAGATATTCCCCCAGTTCTTCTGGGCTACAGTAAGGAGCGAAATATGATTCT-3'
Protein context (NP_001365544.1, residues 1192-1212): TIYFQARIDG[Thr1202Ile]FKIDIPPVLL

ClinVar aggregate classification (germline): Uncertain significance (1 of 4 stars; one submission).

Conditions:
Joubert syndrome. Also called: Familial aplasia of the vermis; JOUBERT-BOLTSHAUSER SYNDROME. Identifiers: Orphanet 475, MedGen C5979921, MONDO:0018772.
Meckel-Gruber syndrome. Also called: Dysencephalia splachnocystica; DYSENCEPHALIA SPLANCHNOCYSTICA; GRUBER SYNDROME. Identifiers: Orphanet 564, MedGen C0265215, MONDO:0018921.

Allele frequency attached by ClinVar (database versions not stated): gnomAD exomes below 0.00001.

Submission:

Labcorp Genetics (formerly Invitae), Labcorp
Classification: Uncertain significance for Joubert syndrome; Meckel-Gruber syndrome. Last evaluated: 2025-05-19. Review status: criteria provided, single submitter. Criteria: Invitae Variant Classification Sherloc (09022015). Collection method: clinical testing. Allele origin: germline.
Comment: This sequence change replaces threonine, which is neutral and polar, with isoleucine, which is neutral and non-polar, at codon 1202 of the CC2D2A protein (p.Thr1202Ile). This variant is present in population databases (no rsID available, gnomAD 0.002%). This variant has not been reported in the literature in individuals affected with CC2D2A-related conditions. ClinVar contains an entry for this variant (Variation ID: 1982582). Invitae Evidence Modeling of protein sequence and biophysical properties (such as structural, functional, and spatial information, amino acid conservation, physicochemical variation, residue mobility, and thermodynamic stability) indicates that this missense variant is expected to disrupt CC2D2A protein function with a positive predictive value of 80%. In summary, the available evidence is currently insufficient to determine the role of this variant in disease. Therefore, it has been classified as a Variant of Uncertain Significance.